The following is an entry in ClinVar:

NM_001370259.2(MEN1):c.105dup (p.Leu36fs)

Gene: MEN1 (menin 1; minus strand). Cytogenetic location: 11q13.1.
Variant type: Duplication.
Coding change: c.105dup on transcript NM_001370259.2 (MANE Select); coding-DNA position 105, one base duplicated (G; older notation c.105dupG).
Protein change: p.Leu36fs; shifts the reading frame from leucine 36.
Molecular consequence: frameshift variant.
Genome position (GRCh38, 1-based): chr11:64,810,005, C duplicated on the plus strand (G on the coding strand, the reverse complement: MEN1 is on the minus strand). VCF-style (leftmost placement, unchanged base first): chr11-64810004-G-GC. GRCh37 (hg19) VCF-style: chr11-64577476-G-GC.
Other names: c.105dupG (NM_130799.2); c.105dup, p.Leu36fs (NM_000244.4, NM_001370251.2, NM_001370260.2 and 9 more transcripts); short protein forms L36fs.
Identifiers: ClinVar variation 423376 (VCV000423376.8), dbSNP rs1555166711, ClinGen allele CA16619368.

ClinVar aggregate classification (germline): Pathogenic. Review status: criteria provided, multiple submitters, no conflicts (2 of 4 stars). 2 submissions from 2 submitters: Pathogenic (2). Last evaluated 2020-12-27.

Conditions:
Multiple endocrine neoplasia, type 1 (MEN1). Also called: Endocrine adenomatosis multiple; MEN 1; MEA I; MEN I; WERMER SYNDROME. Identifiers: Orphanet 652, MedGen C0025267, MeSH D018761, MONDO:0007540, OMIM 131100.

Submissions (2):

Labcorp Genetics (formerly Invitae), Labcorp
Classification: Pathogenic for Multiple endocrine neoplasia, type 1. Last evaluated: 2020-12-27. Review status: criteria provided, single submitter. Criteria: Invitae Variant Classification Sherloc (09022015). Collection method: clinical testing. Allele origin: germline.
Comment: For these reasons, this variant has been classified as Pathogenic. This variant has not been reported in the literature in individuals with MEN1-related conditions. ClinVar contains an entry for this variant (Variation ID: 423376). This variant is not present in population databases (ExAC no frequency). This sequence change creates a premature translational stop signal (p.Leu36Alafs*81) in the MEN1 gene. It is expected to result in an absent or disrupted protein product. Loss-of-function variants in MEN1 are known to be pathogenic (PMID: 12112656, 17853334).

GeneDx
Classification: Pathogenic. Last evaluated: 2017-07-20. Review status: criteria provided, single submitter. Criteria: GeneDx Variant Classification (06012015). Collection method: clinical testing. Allele origin: germline. Affected: yes.
Comment: The c.105dupG variant in the MEN1 gene has not been published as a pathogenic variant, nor has it been reported as a benign variant to our knowledge. This duplication causes a frameshift starting with codon Leucine 36, changes this amino acid to an Alanine residue and creates a premature Stop codon at position 81 of the new reading frame, denoted p.Leu36AlafsX81. This variant is predicted to cause loss of normal protein function either through protein truncation or nonsense-mediated mRNA decay. Based on currently available evidence, we consider c.105dupG to be pathogenic.

Literature cited by the submitters: PubMed 12112656 (cited by Labcorp Genetics (formerly Invitae), Labcorp); PubMed 17853334 (cited by Labcorp Genetics (formerly Invitae), Labcorp).